The following is an entry in ClinVar:

NM_002206.3(ITGA7):c.2003+5G>A

Gene: ITGA7 (integrin subunit alpha 7; minus strand). Cytogenetic location: 12q13.2.
Variant type: single nucleotide variant.
Coding change: c.2003+5G>A on transcript NM_002206.3 (MANE Select); 5 bases into the intron after coding-DNA position 2003, G replaced by A.
Molecular consequence: intron variant.
Genome position (GRCh38, 1-based): chr12:55,695,517, C>T on the plus strand (G>A on the coding strand, the complement: ITGA7 is on the minus strand). VCF-style: chr12-55695517-C-T. GRCh37 (hg19) VCF-style: chr12-56089301-C-T.
Other names: c.1724+5G>A (NM_001144997.2); c.1676+5G>A (NM_001367993.1); c.1664+5G>A (NM_001414035.1); c.1820+5G>A (NM_001414033.1); c.659+5G>A (NM_001367994.1); c.1883+5G>A (NM_001414032.1); c.1916+5G>A (NM_001414031.1); c.1985+5G>A (NM_001374465.1); and 5 more.
Identifiers: ClinVar variation 1434323 (VCV001434323.6), dbSNP rs1872444994, ClinGen allele CA2573148797.

ClinVar aggregate classification (germline): Uncertain significance (1 of 4 stars; one submission).

Conditions:
Congenital muscular dystrophy due to integrin alpha-7 deficiency. Also called: MYOPATHY, CONGENITAL, DUE TO INTEGRIN ALPHA-7 DEFICIENCY; Congenital muscular dystrophy with integrin alpha-7 deficiency; Muscular dystrophy, congenital, due to ITGA7 deficiency. Identifiers: Orphanet 34520, MedGen C2750786, MONDO:0013177, OMIM 613204.

Submission:

Labcorp Genetics (formerly Invitae), Labcorp
Classification: Uncertain significance for Congenital muscular dystrophy due to integrin alpha-7 deficiency. Last evaluated: 2022-08-15. Review status: criteria provided, single submitter. Criteria: Invitae Variant Classification Sherloc (09022015). Collection method: clinical testing. Allele origin: germline.
Comment: This sequence change falls in intron 14 of the ITGA7 gene. It does not directly change the encoded amino acid sequence of the ITGA7 protein. It affects a nucleotide within the consensus splice site. In summary, the available evidence is currently insufficient to determine the role of this variant in disease. Therefore, it has been classified as a Variant of Uncertain Significance. Variants that disrupt the consensus splice site are a relatively common cause of aberrant splicing (PMID: 17576681, 9536098). Algorithms developed to predict the effect of sequence changes on RNA splicing suggest that this variant may disrupt the consensus splice site. ClinVar contains an entry for this variant (Variation ID: 1434323). This variant has not been reported in the literature in individuals affected with ITGA7-related conditions. This variant is not present in population databases (gnomAD no frequency).

Literature cited by the submitters: PubMed 17576681; PubMed 9536098.